The following is an entry in ClinVar:

ClinVar aggregate classification (germline): Likely pathogenic (1 of 4 stars; one submission).

Conditions:
NIPBL-related disorder. Also called: NIPBL-related condition.

Submission:

PreventionGenetics, part of Exact Sciences
Classification: Likely pathogenic for NIPBL-related condition. Last evaluated: 2022-09-29. Review status: criteria provided, single submitter. Criteria: ACMG Guidelines, 2015. Collection method: clinical testing. Allele origin: germline.
Comment: The NIPBL c.2656C>T variant is predicted to result in premature protein termination (p.Gln886*). To our knowledge, this variant has not been reported in the literature or in a large population database, indicating this variant is rare. Nonsense variants in NIPBL are expected to be pathogenic. This variant is interpreted as likely pathogenic.

NM_133433.4(NIPBL):c.2656C>T (p.Gln886Ter)

Gene: NIPBL (NIPBL cohesin loading factor; plus strand). Cytogenetic location: 5p13.2.
Variant type: single nucleotide variant.
Coding change: c.2656C>T on transcript NM_133433.4 (MANE Select); coding-DNA position 2656, C replaced by T.
Protein change: p.Gln886Ter; replaces glutamine 886 with a stop codon.
Molecular consequence: nonsense.
Genome position (GRCh38, 1-based): chr5:36,985,836, C>T. VCF-style: chr5-36985836-C-T. GRCh37 (hg19) VCF-style: chr5-36985938-C-T.
Other names: c.2656C>T, p.Gln886Ter (NM_015384.5); short protein forms Q886*.
Identifiers: ClinVar variation 2637290 (VCV002637290.1), dbSNP rs2477935977, ClinGen allele CA359503754.